The following is an entry in ClinVar:

NM_001008537.3(NEXMIF):c.3321C>G (p.Asp1107Glu)

Gene: NEXMIF (neurite extension and migration factor; minus strand). Cytogenetic location: Xq13.3.
Variant type: single nucleotide variant.
Coding change: c.3321C>G on transcript NM_001008537.3 (MANE Select); coding-DNA position 3321, C replaced by G.
Protein change: p.Asp1107Glu; replaces aspartic acid 1107 with glutamic acid.
Molecular consequence: missense variant.
Genome position (GRCh38, 1-based): chrX:74,741,236, G>C on the plus strand (C>G on the coding strand, the complement: NEXMIF is on the minus strand). VCF-style: chrX-74741236-G-C. GRCh37 (hg19) VCF-style: chrX-73961071-G-C.
Other names: short protein forms D1107E.
Identifiers: ClinVar variation 2660932 (VCV002660932.24), dbSNP rs2519912470, ClinGen allele CA413666219.

ClinVar aggregate classification (germline): Uncertain significance (1 of 4 stars; one submission).

Submission:

CeGaT Center for Human Genetics Tuebingen
Classification: Uncertain significance. Last evaluated: 2023-02-01. Review status: criteria provided, single submitter. Criteria: CeGaT Center For Human Genetics Tuebingen Variant Classification Criteria Version 2. Collection method: clinical testing. Allele origin: germline. Affected: yes. Observed: 1 variant allele.
Comment: NEXMIF: PM2, BP4